The following is an entry in ClinVar:

ClinVar aggregate classification (germline): Benign/Likely benign. Review status: criteria provided, multiple submitters, no conflicts (2 of 4 stars). 2 submissions from 2 submitters: Benign (1); Likely benign (1). Last evaluated 2026-03-01.

gnomAD v4.1: 16,604 of 1,478,846 alleles (1.1%); highest among the groups gnomAD compares: South Asian, 1.4%; 123 homozygotes.

Submissions (11):

CeGaT Center for Human Genetics Tuebingen
Classification: Benign. Last evaluated: 2026-03-01. Review status: criteria provided, single submitter. Criteria: CeGaT Center For Human Genetics Tuebingen Variant Classification Criteria Version 2. Collection method: clinical testing. Allele origin: germline. Affected: yes. Observed: 8 variant alleles.
Comment: SLC30A9: BP4, BS1, BS2

Blueprint Genetics
Classification: Likely benign. Last evaluated: 2024-11-26. Review status: criteria provided, single submitter. Criteria: ACMG Guidelines, 2015. Collection method: clinical testing. Allele origin: germline.

Dr. Peter K. Rogan Lab, Western University
No classification provided (evidence only). Condition: Clear cell carcinoma of kidney. Review status: no classification provided. Collection method: in vitro. Allele origin: not applicable. Functional consequence: skipped exon. Not counted in ClinVar's aggregate classification.

Dr. Peter K. Rogan Lab, Western University
No classification provided (evidence only). Condition: Acute myeloid leukemia. Review status: no classification provided. Collection method: in vitro. Allele origin: not applicable. Functional consequence: retained intron. Not counted in ClinVar's aggregate classification.

Dr. Peter K. Rogan Lab, Western University
No classification provided (evidence only). Condition: Acute myeloid leukemia. Review status: no classification provided. Collection method: in vitro. Allele origin: not applicable. Functional consequence: retained intron. Not counted in ClinVar's aggregate classification.

Dr. Peter K. Rogan Lab, Western University
No classification provided (evidence only). Condition: Acute myeloid leukemia. Review status: no classification provided. Collection method: in vitro. Allele origin: not applicable. Functional consequence: retained intron. Not counted in ClinVar's aggregate classification.

Dr. Peter K. Rogan Lab, Western University
No classification provided (evidence only). Condition: Acute myeloid leukemia. Review status: no classification provided. Collection method: in vitro. Allele origin: not applicable. Functional consequence: retained intron. Not counted in ClinVar's aggregate classification.

Dr. Peter K. Rogan Lab, Western University
No classification provided (evidence only). Condition: Cervical cancer. Review status: no classification provided. Collection method: in vitro. Allele origin: not applicable. Functional consequence: retained intron. Not counted in ClinVar's aggregate classification.

Dr. Peter K. Rogan Lab, Western University
No classification provided (evidence only). Condition: Thymoma. Review status: no classification provided. Collection method: in vitro. Allele origin: not applicable. Functional consequence: retained intron. Not counted in ClinVar's aggregate classification.

Dr. Peter K. Rogan Lab, Western University
No classification provided (evidence only). Condition: Ovarian serous cystadenocarcinoma. Review status: no classification provided. Collection method: in vitro. Allele origin: not applicable. Functional consequence: retained intron. Not counted in ClinVar's aggregate classification.

Dr. Peter K. Rogan Lab, Western University
No classification provided (evidence only). Condition: Malignant tumor of esophagus. Review status: no classification provided. Collection method: in vitro. Allele origin: not applicable. Functional consequence: retained intron. Not counted in ClinVar's aggregate classification.

NM_006345.4(SLC30A9):c.334+7A>G

Gene: SLC30A9 (solute carrier family 30 member 9; plus strand). Cytogenetic location: 4p13.
Variant type: single nucleotide variant.
Coding change: c.334+7A>G on transcript NM_006345.4 (MANE Select); 7 bases into the intron after coding-DNA position 334, A replaced by G.
Molecular consequence: intron variant.
Genome position (GRCh38, 1-based): chr4:42,018,177, A>G. VCF-style: chr4-42018177-A-G. GRCh37 (hg19) VCF-style: chr4-42020194-A-G.
Other names: NC_000004.11:g.42020194A>G.
Identifiers: ClinVar variation 3777787 (VCV003777787.9).